The following is an entry in ClinVar:

NM_022788.5(P2RY12):c.352A>G (p.Ile118Val)

Genes: MED12L (mediator complex subunit 12L; plus strand), P2RY12 (purinergic receptor P2Y12; minus strand). Cytogenetic location: 3q25.1.
Variant type: single nucleotide variant.
Coding change: c.352A>G on transcript NM_022788.5 (MANE Select); coding-DNA position 352, A replaced by G.
Protein change: p.Ile118Val; replaces isoleucine 118 with valine.
Molecular consequence: missense variant. On other transcripts: intron variant (2).
Genome position (GRCh38, 1-based): chr3:151,338,494, T>C on the plus strand (A>G on the coding strand, the complement: P2RY12 is on the minus strand). VCF-style: chr3-151338494-T-C. GRCh37 (hg19) VCF-style: chr3-151056282-T-C.
Other names: c.352A>G, p.Ile118Val (NM_176876.3); c.2251-11565T>C (NM_001393769.1); c.2146-11565T>C (NM_053002.6); short protein forms I118V.
Identifiers: ClinVar variation 3366803 (VCV003366803.1).
Genomic context (GRCh38, chr3:151,338,494, plus strand): 5'-GATTTTTGGGGTTGGATGTTTTAAATGGCCTGGTGGTCTTCTGGTAGCGATCGATAGTTA[T>C]CAGTCCCAGGAATGAAATACTGATATACATTGTGAAATAAAATATGACGGAGGTAACTTG-3'
Protein context (NP_073625.1, residues 108-128): MYISISFLGL[Ile118Val]TIDRYQKTTR

ClinVar aggregate classification (germline): Uncertain significance (1 of 4 stars; one submission).

gnomAD v4.1: 2 of 1,613,878 alleles (0.00012%); highest among the groups gnomAD compares: Non-Finnish European, 0.00017%; no homozygotes.

Submission:

Women's Health and Genetics/Laboratory Corporation of America, LabCorp
Classification: Uncertain significance. Last evaluated: 2024-08-14. Review status: criteria provided, single submitter. Criteria: LabCorp Variant Classification Summary - May 2015. Collection method: clinical testing. Allele origin: germline.
Comment: Variant summary: P2RY12 c.352A>G (p.Ile118Val) results in a conservative amino acid change located in the GPCR, rhodopsin-like, 7TM domain (IPR017452) of the encoded protein sequence. Three of five in-silico tools predict a damaging effect of the variant on protein function. The variant allele was found at a frequency of 4e-06 in 250540 control chromosomes. The available data on variant occurrences in the general population are insufficient to allow any conclusion about variant significance. To our knowledge, no occurrence of c.352A>G in individuals affected with Platelet-Type Bleeding Disorder 8 and no experimental evidence demonstrating its impact on protein function have been reported. No submitters have cited clinical-significance assessments for this variant to ClinVar. Based on the evidence outlined above, the variant was classified as uncertain significance.